The following is an entry in ClinVar:

NM_015041.3(CLUAP1):c.205A>T (p.Ile69Phe)

Gene: CLUAP1 (clusterin associated protein 1; plus strand). Cytogenetic location: 16p13.3.
Variant type: single nucleotide variant.
Coding change: c.205A>T on transcript NM_015041.3 (MANE Select); coding-DNA position 205, A replaced by T.
Protein change: p.Ile69Phe; replaces isoleucine 69 with phenylalanine.
Molecular consequence: missense variant.
Genome position (GRCh38, 1-based): chr16:3,506,401, A>T. VCF-style: chr16-3506401-A-T. GRCh37 (hg19) VCF-style: chr16-3556401-A-T.
Other names: c.205A>T, p.Ile69Phe (NM_001330454.2); short protein forms I69F.
Identifiers: ClinVar variation 845626 (VCV000845626.10), dbSNP rs1384964918, ClinGen allele CA394511020.

ClinVar aggregate classification (germline): Uncertain significance (1 of 4 stars; one submission).

Allele frequency attached by ClinVar (database versions not stated): gnomAD 0.00001; TOPMed 0.00001.
gnomAD v4.1: 2 of 1,613,484 alleles (0.00012%); highest among the groups gnomAD compares: African/African-American, 0.0013%; no homozygotes.

Submission:

Labcorp Genetics (formerly Invitae), Labcorp
Classification: Uncertain significance. Last evaluated: 2024-02-17. Review status: criteria provided, single submitter. Criteria: Invitae Variant Classification Sherloc (09022015). Collection method: clinical testing. Allele origin: germline.
Comment: This sequence change replaces isoleucine, which is neutral and non-polar, with phenylalanine, which is neutral and non-polar, at codon 69 of the CLUAP1 protein (p.Ile69Phe). This variant is not present in population databases (gnomAD no frequency). This variant has not been reported in the literature in individuals affected with CLUAP1-related conditions. ClinVar contains an entry for this variant (Variation ID: 845626). Advanced modeling of protein sequence and biophysical properties (such as structural, functional, and spatial information, amino acid conservation, physicochemical variation, residue mobility, and thermodynamic stability) performed at Invitae indicates that this missense variant is not expected to disrupt CLUAP1 protein function with a negative predictive value of 80%. In summary, the available evidence is currently insufficient to determine the role of this variant in disease. Therefore, it has been classified as a Variant of Uncertain Significance.